The following is an entry in ClinVar:

NM_000255.4(MMUT):c.326A>G (p.Gln109Arg)

Gene: MMUT (methylmalonyl-CoA mutase; minus strand). Cytogenetic location: 6p12.3.
Variant type: single nucleotide variant.
Coding change: c.326A>G on transcript NM_000255.4 (MANE Select); coding-DNA position 326, A replaced by G.
Protein change: p.Gln109Arg; replaces glutamine 109 with arginine.
Molecular consequence: missense variant.
Genome position (GRCh38, 1-based): chr6:49,459,141, T>C on the plus strand (A>G on the coding strand, the complement: MMUT is on the minus strand). VCF-style: chr6-49459141-T-C. GRCh37 (hg19) VCF-style: chr6-49426854-T-C.
Other names: short protein forms Q109R.
Identifiers: ClinVar variation 4818002 (VCV004818002.1).
Genomic context (GRCh38, chr6:49,459,141, plus strand): 5'-CCCTTAATGTTGTCCTTATAGAACTTATTGCTTTCTTCCACAGTACTAAAACCAGCATAC[T>C]GGCGGATGGTCCAGGGCCTAAAGGTATACATGGTAGGATATGGTCCACGTGTGAATGGCT-3'
Protein context (NP_000246.2, residues 99-119): MYTFRPWTIR[Gln109Arg]YAGFSTVEES

ClinVar aggregate classification (germline): Likely pathogenic (1 of 4 stars; one submission).

Conditions:
Methylmalonic aciduria due to complete methylmalonyl-CoA mutase deficiency.

gnomAD v4.1: 3 of 1,614,046 alleles (0.00019%); highest among the groups gnomAD compares: African/African-American, 0.0013%; no homozygotes.

Submission:

Natera, Inc.
Classification: Likely pathogenic for Methylmalonic aciduria due to complete methylmalonyl-CoA mutase deficiency. Last evaluated: 2025-07-16. Review status: criteria provided, single submitter. Criteria: Natera Variant Classification Schema (03/2026). Collection method: clinical testing. Allele origin: germline.
Comment: The c.326A>G variant in MMUT is a missense variant predicted to cause substitution of glutamine to arginine at amino acid 109. This variant is rare in the general population with a frequency below the threshold expected for the associated phenotype(s). This variant has been observed in one or more individuals affected with the associated recessive disease, as either homozygous or compound heterozygous with a second variant (PMID: 34668645, 15781192). Computational prediction algorithms indicate this variant is likely to affect gene or protein function. Given the available evidence, this variant is classified as Likely Pathogenic.

Literature cited by the submitters: PubMed 34668645; PubMed 15781192.